The following is an entry in ClinVar:

ClinVar aggregate classification (germline): Uncertain significance (1 of 4 stars; one submission).

Submission:

Labcorp Genetics (formerly Invitae), Labcorp
Classification: Uncertain significance. Last evaluated: 2022-05-09. Review status: criteria provided, single submitter. Criteria: Invitae Variant Classification Sherloc (09022015). Collection method: clinical testing. Allele origin: germline.
Comment: In summary, the available evidence is currently insufficient to determine the role of this variant in disease. Therefore, it has been classified as a Variant of Uncertain Significance. Algorithms developed to predict the effect of missense changes on protein structure and function are either unavailable or do not agree on the potential impact of this missense change (SIFT: "Deleterious"; PolyPhen-2: "Benign"; Align-GVGD: "Class C0"). This variant has not been reported in the literature in individuals affected with ZNF341-related conditions. This variant is not present in population databases (gnomAD no frequency). This sequence change replaces proline, which is neutral and non-polar, with threonine, which is neutral and polar, at codon 569 of the ZNF341 protein (p.Pro569Thr).

NM_001282933.2(ZNF341):c.1726C>A (p.Pro576Thr)

Gene: ZNF341 (zinc finger protein 341; plus strand). Cytogenetic location: 20q11.22.
Variant type: single nucleotide variant.
Coding change: c.1726C>A on transcript NM_001282933.2 (MANE Select); coding-DNA position 1726, C replaced by A.
Protein change: p.Pro576Thr; replaces proline 576 with threonine.
Molecular consequence: missense variant. On other transcripts: non-coding transcript variant (1).
Genome position (GRCh38, 1-based): chr20:33,783,738, C>A. VCF-style: chr20-33783738-C-A. GRCh37 (hg19) VCF-style: chr20-32371544-C-A.
Other names: c.1456C>A, p.Pro486Thr (NM_001282935.2); c.1705C>A, p.Pro569Thr (NM_032819.5); short protein forms P486T, P569T, P576T.
Identifiers: ClinVar variation 2135935 (VCV002135935.4), dbSNP rs2515502165, ClinGen allele CA408639627.